The following is an entry in ClinVar:

NM_004239.4(TRIP11):c.4754G>A (p.Arg1585His)

Gene: TRIP11 (thyroid hormone receptor interactor 11; minus strand). Cytogenetic location: 14q32.12.
Variant type: single nucleotide variant.
Coding change: c.4754G>A on transcript NM_004239.4 (MANE Select); coding-DNA position 4754, G replaced by A.
Protein change: p.Arg1585His; replaces arginine 1585 with histidine.
Molecular consequence: missense variant.
Genome position (GRCh38, 1-based): chr14:91,999,378, C>T on the plus strand (G>A on the coding strand, the complement: TRIP11 is on the minus strand). VCF-style: chr14-91999378-C-T. GRCh37 (hg19) VCF-style: chr14-92465722-C-T.
Other names: c.4751G>A, p.Arg1584His (NM_001321851.1); short protein forms R1584H, R1585H.
Identifiers: ClinVar variation 2162835 (VCV002162835.3), dbSNP rs771459106, ClinGen allele CA7313371.

ClinVar aggregate classification (germline): Uncertain significance. Review status: criteria provided, multiple submitters, no conflicts (2 of 4 stars). 2 submissions from 2 submitters: Uncertain significance (2). Last evaluated 2023-07-07.

Conditions:
Achondrogenesis, type IA (ACG1A). Identifiers: Orphanet 932, Orphanet 93299, MedGen C0265273, MONDO:0008701, OMIM 200600.
Odontochondrodysplasia 1. Identifiers: Orphanet 166272, MedGen C5542277, MONDO:0100325, OMIM 184260.

Allele frequency attached by ClinVar (database versions not stated): TOPMed 0.00006; ExAC 0.00007; gnomAD 0.00009; gnomAD exomes 0.00009.
gnomAD v4.1: 147 of 1,613,772 alleles (0.0091%); highest among the groups gnomAD compares: Non-Finnish European, 0.0067%; no homozygotes.

Submissions (2):

Labcorp Genetics (formerly Invitae), Labcorp
Classification: Uncertain significance for Achondrogenesis, type IA. Last evaluated: 2023-07-07. Review status: criteria provided, single submitter. Criteria: Invitae Variant Classification Sherloc (09022015). Collection method: clinical testing. Allele origin: germline.
Comment: This variant has not been reported in the literature in individuals affected with TRIP11-related conditions. In summary, the available evidence is currently insufficient to determine the role of this variant in disease. Therefore, it has been classified as a Variant of Uncertain Significance. Advanced modeling of protein sequence and biophysical properties (such as structural, functional, and spatial information, amino acid conservation, physicochemical variation, residue mobility, and thermodynamic stability) has been performed at Invitae for this missense variant, however the output from this modeling did not meet the statistical confidence thresholds required to predict the impact of this variant on TRIP11 protein function. ClinVar contains an entry for this variant (Variation ID: 2162835). This variant is present in population databases (rs771459106, gnomAD 0.1%). This sequence change replaces arginine, which is basic and polar, with histidine, which is basic and polar, at codon 1585 of the TRIP11 protein (p.Arg1585His).

Department of Pathology and Laboratory Medicine, Sinai Health System
Classification: Uncertain significance for Odontochondrodysplasia 1; Achondrogenesis, type IA. Last evaluated: 2022-03-08. Review status: criteria provided, single submitter. Criteria: ACMG Guidelines, 2015. Collection method: research. Allele origin: germline.